The following is an entry in ClinVar:

NM_020631.6(PLEKHG5):c.2244G>C (p.Gln748His)

Gene: PLEKHG5 (pleckstrin homology and RhoGEF domain containing G5; minus strand). Cytogenetic location: 1p36.31.
Variant type: single nucleotide variant.
Coding change: c.2244G>C on transcript NM_020631.6 (MANE Select); coding-DNA position 2244, G replaced by C.
Protein change: p.Gln748His; replaces glutamine 748 with histidine.
Molecular consequence: missense variant.
Genome position (GRCh38, 1-based): chr1:6,469,047, C>G on the plus strand (G>C on the coding strand, the complement: PLEKHG5 is on the minus strand). VCF-style: chr1-6469047-C-G. GRCh37 (hg19) VCF-style: chr1-6529107-C-G.
Other names: c.2355G>C, p.Gln785His (NM_001042663.3, NM_001265592.2); c.2244G>C, p.Gln748His (NM_001042664.2, NM_001042665.2, NM_001265594.3 and 1 more transcripts); c.2451G>C, p.Gln817His (NM_001265593.2); short protein forms Q748H, Q817H, Q785H.
Identifiers: ClinVar variation 649465 (VCV000649465.7), dbSNP rs1569839599, ClinGen allele CA338117926.

ClinVar aggregate classification (germline): Uncertain significance (1 of 4 stars; one submission).

Conditions:
Neuronopathy, distal hereditary motor, autosomal recessive 4. Also called: NEUROPATHY, DISTAL HEREDITARY MOTOR, AUTOSOMAL RECESSIVE 4; Autosomal recessive lower motor neuron disease with childhood onset. Identifiers: Orphanet 206580, MedGen C1970211, MONDO:0012608, OMIM 611067.
Charcot-Marie-Tooth disease recessive intermediate C. Also called: CHARCOT-MARIE-TOOTH NEUROPATHY, RECESSIVE INTERMEDIATE C. Identifiers: Orphanet 369867, MedGen C3809309, MONDO:0014154, OMIM 615376.

Allele frequency attached by ClinVar (database versions not stated): gnomAD exomes below 0.00001.
gnomAD v4.1: 1 of 1,613,350 alleles (0.000062%); highest among the groups gnomAD compares: Middle Eastern, 0.016%; no homozygotes.

Submission:

Labcorp Genetics (formerly Invitae), Labcorp
Classification: Uncertain significance for Neuronopathy, distal hereditary motor, autosomal recessive 4; Charcot-Marie-Tooth disease recessive intermediate C. Last evaluated: 2018-11-14. Review status: criteria provided, single submitter. Criteria: Invitae Variant Classification Sherloc (09022015). Collection method: clinical testing. Allele origin: germline.
Comment: In summary, the available evidence is currently insufficient to determine the role of this variant in disease. Therefore, it has been classified as a Variant of Uncertain Significance. Algorithms developed to predict the effect of missense changes on protein structure and function are either unavailable or do not agree on the potential impact of this missense change (SIFT: "Tolerated"; PolyPhen-2: "Possibly Damaging"; Align-GVGD: "Class C0"). This variant has not been reported in the literature in individuals with PLEKHG5-related disease. This variant is not present in population databases (ExAC no frequency). This sequence change replaces glutamine with histidine at codon 748 of the PLEKHG5 protein (p.Gln748His). The glutamine residue is weakly conserved and there is a small physicochemical difference between glutamine and histidine.